The following is an entry in ClinVar:

NM_000747.3(CHRNB1):c.398T>C (p.Val133Ala)

Gene: CHRNB1 (cholinergic receptor nicotinic beta 1 subunit; plus strand). Cytogenetic location: 17p13.1.
Variant type: single nucleotide variant.
Coding change: c.398T>C on transcript NM_000747.3 (MANE Select); coding-DNA position 398, T replaced by C.
Protein change: p.Val133Ala; replaces valine 133 with alanine.
Molecular consequence: missense variant.
Genome position (GRCh38, 1-based): chr17:7,447,087, T>C. VCF-style: chr17-7447087-T-C. GRCh37 (hg19) VCF-style: chr17-7350406-T-C.
Other names: short protein forms V133A.
Identifiers: ClinVar variation 1419684 (VCV001419684.8), dbSNP rs1028135504, ClinGen allele CA287424190.

ClinVar aggregate classification (germline): Uncertain significance. Review status: criteria provided, multiple submitters, no conflicts (2 of 4 stars). 3 submissions from 3 submitters: Uncertain significance (3). Last evaluated 2024-12-11.

Conditions:
Congenital myasthenic syndrome 2A. Also called: Myasthenic syndrome, congenital, 2a, slow-channel. Identifiers: Orphanet 590, MedGen C4225374, MONDO:0014581, OMIM 616313.

Allele frequency attached by ClinVar (database versions not stated): gnomAD exomes below 0.00001.

Submissions (3):

Revvity Omics, Revvity
Classification: Uncertain significance. Last evaluated: 2024-12-11. Review status: criteria provided, single submitter. Criteria: ACMG Guidelines, 2015. Collection method: clinical testing. Allele origin: germline.

Genomic Medicine Center of Excellence, King Faisal Specialist Hospital and Research Centre
Classification: Uncertain significance for Congenital myasthenic syndrome 2A. Last evaluated: 2024-03-29. Review status: criteria provided, single submitter. Criteria: ACMG Guidelines, 2015. Collection method: clinical testing. Allele origin: germline.

Labcorp Genetics (formerly Invitae), Labcorp
Classification: Uncertain significance for Congenital myasthenic syndrome 2A. Last evaluated: 2021-10-21. Review status: criteria provided, single submitter. Criteria: Invitae Variant Classification Sherloc (09022015). Collection method: clinical testing. Allele origin: germline.
Comment: This sequence change replaces valine, which is neutral and non-polar, with alanine, which is neutral and non-polar, at codon 133 of the CHRNB1 protein (p.Val133Ala). In summary, the available evidence is currently insufficient to determine the role of this variant in disease. Therefore, it has been classified as a Variant of Uncertain Significance. Advanced modeling of protein sequence and biophysical properties (such as structural, functional, and spatial information, amino acid conservation, physicochemical variation, residue mobility, and thermodynamic stability) performed at Invitae indicates that this missense variant is not expected to disrupt CHRNB1 protein function. This variant has not been reported in the literature in individuals affected with CHRNB1-related conditions. This variant is present in population databases (no rsID available, gnomAD 0.0009%).